The following is an entry in ClinVar:

NM_004380.3(CREBBP):c.1475A>G (p.Tyr492Cys)

Gene: CREBBP (CREB binding protein; minus strand). Cytogenetic location: 16p13.3.
Variant type: single nucleotide variant.
Coding change: c.1475A>G on transcript NM_004380.3 (MANE Select); coding-DNA position 1475, A replaced by G.
Protein change: p.Tyr492Cys; replaces tyrosine 492 with cysteine.
Molecular consequence: missense variant.
Genome position (GRCh38, 1-based): chr16:3,782,782, T>C on the plus strand (A>G on the coding strand, the complement: CREBBP is on the minus strand). VCF-style: chr16-3782782-T-C. GRCh37 (hg19) VCF-style: chr16-3832783-T-C.
Other names: c.1361A>G, p.Tyr454Cys (NM_001079846.1); short protein forms Y454C, Y492C.
Identifiers: ClinVar variation 2430566 (VCV002430566.1), dbSNP rs1368073022, ClinGen allele CA394557562.

ClinVar aggregate classification (germline): Uncertain significance (1 of 4 stars; one submission).

gnomAD v4.1: 1 of 1,614,116 alleles (0.000062%); highest among the groups gnomAD compares: Non-Finnish European, 0.000085%; no homozygotes.

Submission:

GeneDx
Classification: Uncertain significance. Last evaluated: 2022-08-20. Review status: criteria provided, single submitter. Criteria: GeneDx Variant Classification Process June 2021. Collection method: clinical testing. Allele origin: germline. Affected: yes.
Comment: In silico analysis supports that this missense variant has a deleterious effect on protein structure/function; Has not been previously published as pathogenic or benign to our knowledge